The following is an entry in ClinVar:

NM_001377540.1(SLMAP):c.1441+107dup

Gene: SLMAP (sarcolemma associated protein; plus strand). Cytogenetic location: 3p14.3.
Variant type: Duplication.
Coding change: c.1441+107dup on transcript NM_001377540.1 (MANE Select); 107 bases into the intron after coding-DNA position 1441, one base duplicated (A; older notation c.1441+107dupA).
Molecular consequence: intron variant.
Genome position (GRCh38, 1-based): chr3:57,896,698, A duplicated; the last of 10 consecutive A bases (chr3:57,896,689-57,896,698); duplicating any one gives the same sequence. VCF-style (leftmost placement, unchanged base first): chr3-57896688-G-GA. GRCh37 (hg19) VCF-style: chr3-57882415-G-GA.
Other names: c.1441+107dup (NM_001377538.1, NM_001377539.1, NM_001377555.1); c.1378+107dup (NM_001377545.1, NM_001377922.1); c.1390+107dup (NM_001377541.1, NM_001304420.3, NM_001377562.1 and 2 more transcripts); c.1327+107dup (NM_001377552.1, NM_001377551.1, NM_001377924.1); c.1339+107dup (NM_001377549.1, NM_007159.5, NM_001377923.1); c.1276+107dup (NM_001377559.1, NM_001377557.1, NM_001377925.1 and 1 more transcripts); c.-9+107dup (NM_001311178.2, NM_001304422.3, NM_001377927.1 and 4 more transcripts).
Identifiers: ClinVar variation 2429708 (VCV002429708.1), dbSNP rs1189703730, ClinGen allele CA434104083.

ClinVar aggregate classification (germline): Likely benign (1 of 4 stars; one submission).

Submission:

GeneDx
Classification: Likely benign. Last evaluated: 2021-06-02. Review status: criteria provided, single submitter. Criteria: GeneDx Variant Classification Process June 2021. Collection method: clinical testing. Allele origin: germline. Affected: yes.
Comment: See Variant Classification Assertion Criteria.